The following is an entry in ClinVar:

ClinVar aggregate classification (germline): Uncertain significance (1 of 4 stars; one submission).

Conditions:
Hyperkalemic periodic paralysis. Also called: Familial hyperkalemic periodic paralysis; Gamstorp disease. Identifiers: Orphanet 682, MedGen C0238357, MONDO:0008224, OMIM 170500, HP:0007215.

Allele frequency attached by ClinVar (database versions not stated): gnomAD 0.00001 and 0.00003; gnomAD exomes 0.00002 and 0.00003; ExAC 0.00003; TOPMed 0.00003; 1000 Genomes Project 30x 0.00016; 1000 Genomes Project 0.00020.
gnomAD v4.1: 32 of 1,614,018 alleles (0.002%); highest among the groups gnomAD compares: Middle Eastern, 0.016%; 1 homozygote.

Submission:

Labcorp Genetics (formerly Invitae), Labcorp
Classification: Uncertain significance for Hyperkalemic periodic paralysis. Last evaluated: 2024-10-22. Review status: criteria provided, single submitter. Criteria: Invitae Variant Classification Sherloc (09022015). Collection method: clinical testing. Allele origin: germline.
Comment: This sequence change replaces glycine, which is neutral and non-polar, with serine, which is neutral and polar, at codon 1523 of the SCN4A protein (p.Gly1523Ser). This variant is present in population databases (rs549771520, gnomAD 0.01%). This variant has not been reported in the literature in individuals affected with SCN4A-related conditions. ClinVar contains an entry for this variant (Variation ID: 1002412). Invitae Evidence Modeling of protein sequence and biophysical properties (such as structural, functional, and spatial information, amino acid conservation, physicochemical variation, residue mobility, and thermodynamic stability) indicates that this missense variant is not expected to disrupt SCN4A protein function with a negative predictive value of 95%. In summary, the available evidence is currently insufficient to determine the role of this variant in disease. Therefore, it has been classified as a Variant of Uncertain Significance.

NM_000334.4(SCN4A):c.4567G>A (p.Gly1523Ser)

Genes: GH-LCR (growth hormone locus control region; plus strand), SCN4A (sodium voltage-gated channel alpha subunit 4; minus strand). Cytogenetic location: 17q23.3.
Variant type: single nucleotide variant.
Coding change: c.4567G>A on transcript NM_000334.4 (MANE Select); coding-DNA position 4567, G replaced by A.
Protein change: p.Gly1523Ser; replaces glycine 1523 with serine.
Molecular consequence: missense variant.
Genome position (GRCh38, 1-based): chr17:63,941,715, C>T on the plus strand (G>A on the coding strand, the complement: SCN4A is on the minus strand). VCF-style: chr17-63941715-C-T. GRCh37 (hg19) VCF-style: chr17-62019075-C-T.
Other names: short protein forms G1523S.
Identifiers: ClinVar variation 1002412 (VCV001002412.16), dbSNP rs549771520, ClinGen allele CA8708943.